The following is an entry in ClinVar:

NM_178857.6(RP1L1):c.5598G>T (p.Glu1866Asp)

Gene: RP1L1 (RP1 like 1). Cytogenetic location: 8p23.1.
Variant type: single nucleotide variant.
Coding change: c.5598G>T on transcript NM_178857.6 (MANE Select); coding-DNA position 5598, G replaced by T.
Protein change: p.Glu1866Asp; replaces glutamic acid 1866 with aspartic acid.
Molecular consequence: missense variant.
Genome position (GRCh38, 1-based): chr8:10,608,500, C>A on the plus strand (G>T on the coding strand, the complement: RP1L1 is on the minus strand). VCF-style: chr8-10608500-C-A. GRCh37 (hg19) VCF-style: chr8-10466010-C-A.
Other names: short protein forms E1866D.
Identifiers: ClinVar variation 361248 (VCV000361248.5), dbSNP rs181718385, ClinGen allele CA4623599.
Genomic context (GRCh38, chr8:10,608,500, plus strand): 5'-CTCTGGCTGGGCCTCTCCTTCTGCCTCTGGGGCCTCTACATCTTCTGACTCTGGCTGGGC[C>A]TCCCCTTCAGCCTCCTGGGCATCCCCTTCTGCCTCTGGGGCCTCTACACCTTCTGACTCT-3'
Protein context (NP_849188.4, residues 1856-1876): AEGDAQEAEG[Glu1866Asp]AQPESEDVEA

ClinVar aggregate classification (germline): Benign (1 of 4 stars; one submission).

Conditions:
Occult macular dystrophy (OCMD). Also called: OMD; OCCULT MACULAR DYSTROPHY, SUSCEPTIBILITY TO. Identifiers: Orphanet 247834, MedGen C3150833, MONDO:0013316, OMIM 613587, HP:0030636.

Allele frequency attached by ClinVar (database versions not stated): gnomAD 0.00006 and 0.00003.

Submission:

Illumina Laboratory Services, Illumina
Classification: Benign for Occult macular dystrophy. Last evaluated: 2018-01-12. Review status: criteria provided, single submitter. Criteria: ICSL Variant Classification Criteria 13 December 2019. Collection method: clinical testing. Allele origin: germline.
Comment: This variant was observed in the ICSL laboratory as part of a predisposition screen in an ostensibly healthy population. It had not been previously curated by ICSL or reported in the Human Gene Mutation Database (HGMD: prior to June 1st, 2018), and was therefore a candidate for classification through an automated scoring system. Utilizing variant allele frequency, disease prevalence and penetrance estimates, and inheritance mode, an automated score was calculated to assess if this variant is too frequent to cause the disease. Based on the score and internal cut-off values, a variant classified as benign is not then subjected to further curation. The score for this variant resulted in a classification of benign for this disease.